The following is an entry in ClinVar:

NM_000834.5(GRIN2B):c.4183C>A (p.Gln1395Lys)

Gene: GRIN2B (glutamate ionotropic receptor NMDA type subunit 2B; minus strand). Cytogenetic location: 12p13.1.
Variant type: single nucleotide variant.
Coding change: c.4183C>A on transcript NM_000834.5 (MANE Select); coding-DNA position 4183, C replaced by A.
Protein change: p.Gln1395Lys; replaces glutamine 1395 with lysine.
Molecular consequence: missense variant.
Genome position (GRCh38, 1-based): chr12:13,563,055, G>T on the plus strand (C>A on the coding strand, the complement: GRIN2B is on the minus strand). VCF-style: chr12-13563055-G-T. GRCh37 (hg19) VCF-style: chr12-13715989-G-T.
Other names: short protein forms Q1395K.
Identifiers: ClinVar variation 1307088 (VCV001307088.3), dbSNP rs1555101663, ClinGen allele CA383986172.

ClinVar aggregate classification (germline): Uncertain significance (1 of 4 stars; one submission).

Submission:

GeneDx
Classification: Uncertain significance. Last evaluated: 2024-09-26. Review status: criteria provided, single submitter. Criteria: GeneDx Variant Classification Process June 2021. Collection method: clinical testing. Allele origin: germline. Affected: yes.
Comment: Not observed at significant frequency in large population cohorts (gnomAD); In silico analysis supports that this missense variant has a deleterious effect on protein structure/function; Has not been previously published as pathogenic or benign to our knowledge